The following is an entry in ClinVar:

ClinVar aggregate classification (germline): Uncertain significance (1 of 4 stars; one submission).

Submission:

Ambry Genetics
Classification: Uncertain significance. Last evaluated: 2021-08-13. Review status: criteria provided, single submitter. Criteria: Ambry Variant Classification Scheme 2023. Collection method: clinical testing. Allele origin: germline.
Comment: The p.N275S variant (also known as c.824A>G), located in coding exon 10 of the NPAT gene, results from an A to G substitution at nucleotide position 824. The asparagine at codon 275 is replaced by serine, an amino acid with highly similar properties. This amino acid position is conserved. In addition, this alteration is predicted to be tolerated by in silico analysis. Since supporting evidence is limited at this time, the clinical significance of this alteration remains unclear.

NM_002519.3(NPAT):c.824A>G (p.Asn275Ser)

Gene: NPAT (nuclear protein, coactivator of histone transcription; minus strand). Cytogenetic location: 11q22.3.
Variant type: single nucleotide variant.
Coding change: c.824A>G on transcript NM_002519.3 (MANE Select); coding-DNA position 824, A replaced by G.
Protein change: p.Asn275Ser; replaces asparagine 275 with serine.
Molecular consequence: missense variant.
Genome position (GRCh38, 1-based): chr11:108,185,314, T>C on the plus strand (A>G on the coding strand, the complement: NPAT is on the minus strand). VCF-style: chr11-108185314-T-C. GRCh37 (hg19) VCF-style: chr11-108056041-T-C.
Other names: c.824A>G, p.Asn275Ser (NM_001321307.1); short protein forms N275S.
Identifiers: ClinVar variation 1762617 (VCV001762617.2), dbSNP rs2496737816, ClinGen allele CA382520340.